The following is an entry in ClinVar:

NM_004817.4(TJP2):c.1320-6A>G

Gene: TJP2 (tight junction protein 2; plus strand). Cytogenetic location: 9q21.11.
Variant type: single nucleotide variant.
Coding change: c.1320-6A>G on transcript NM_004817.4 (MANE Select); 6 bases into the intron before coding-DNA position 1320, A replaced by G.
Molecular consequence: intron variant.
Genome position (GRCh38, 1-based): chr9:69,227,975, A>G. VCF-style: chr9-69227975-A-G. GRCh37 (hg19) VCF-style: chr9-71842891-A-G.
Other names: c.1251-6A>G (NM_001170414.2, NM_001369871.1); c.1251-12A>G (NM_001369870.1); c.1320-6A>G (NM_201629.3, NM_001369872.1, NM_001369873.1); c.1332-6A>G (NM_001170415.1, NM_001369875.1, NM_001369874.1); c.1413-6A>G (NM_001170416.2).
Identifiers: ClinVar variation 4983408 (VCV004983408.1).

ClinVar aggregate classification (germline): Likely benign (1 of 4 stars; one submission).

Conditions:
TJP2-related disorder. Also called: TJP2-related condition.

gnomAD v4.1: 4 of 1,614,054 alleles (0.00025%); highest among the groups gnomAD compares: African/African-American, 0.0053%; no homozygotes.

Submission:

PreventionGenetics, part of Exact Sciences
Classification: Likely benign for TJP2-related condition. Last evaluated: 2025-02-28. Review status: criteria provided, single submitter. Criteria: ACMG Guidelines, 2015. Collection method: clinical testing. Allele origin: germline.
Comment: This variant is classified as likely benign based on ACMG/AMP sequence variant interpretation guidelines (Richards et al. 2015 PMID: 25741868, with internal and published modifications).